The following is an entry in ClinVar:

NM_139058.3(ARX):c.306GGC[12] (p.Ala114_Ala115dup)

Genes: ARX (aristaless related homeobox; minus strand), LOC109610631 (aristaless related homeobox polyalanine expansion region; plus strand). Cytogenetic location: Xp21.3.
Variant type: Microsatellite.
Coding change: c.306GGC[12] on transcript NM_139058.3 (MANE Select); 12 copies in a row of the 3-base unit GGC starting at c.306; the reference has ten copies in a row; two copies, 6 bases duplicated; also written c.330_335dup.
Protein change: p.Ala114_Ala115dup.
Molecular consequence: inframe insertion.
Genome position (GRCh38, 1-based): chrX:25,013,660-25,013,665, GCCGCC duplicated on the plus strand (GGCGGC on the coding strand, the reverse complement: ARX is on the minus strand); duplicating any 6 consecutive bases within chrX:25,013,660-25,013,691 gives the same sequence; the position shown is the placement nearest the transcript's 3' end. VCF-style (leftmost placement, unchanged base first): chrX-25013659-T-TGCCGCC. GRCh37 (hg19) VCF-style: chrX-25031776-T-TGCCGCC.
Other names: c.330_335dup (NM_139058.2); c.330_335dup6 (NM_139058.2).
Identifiers: ClinVar variation 420027 (VCV000420027.15), dbSNP rs387906492, ClinGen allele CA16621353.

ClinVar aggregate classification (germline): Conflicting classifications of pathogenicity. Review status: criteria provided, conflicting classifications (1 of 4 stars). 4 submissions from 4 submitters: Uncertain significance (2); Likely benign (1). 1 of the submissions does not count toward it. Last evaluated 2025-12-09.

Conditions:
ARX-related disorder. Also called: ARX-Related Disorders; ARX-related condition. Identifiers: MedGen CN378769.
Inborn genetic diseases. Identifiers: MedGen C0950123, MeSH D030342.
Intellectual disability, X-linked, with or without seizures, ARX-related. Also called: MENTAL RETARDATION, X-LINKED 29; MENTAL RETARDATION, X-LINKED 32; MENTAL RETARDATION, X-LINKED 33; MENTAL RETARDATION, X-LINKED 38; MENTAL RETARDATION, X-LINKED 43; MENTAL RETARDATION, X-LINKED 76. Identifiers: Orphanet 777, MedGen C0796244, MONDO:0010317, OMIM 300419.
Developmental and epileptic encephalopathy, 1 (DEE1). Also called: Epileptic encephalopathy, early infantile, 1; X-linked infantile spasms; West's syndrome; Tonic spasms with clustering, arrest of psychomotor development and hypsarrhythmia on EEG; X-Linked Infantile Spasm Syndrome; INFANTILE SPASM SYNDROME, X-LINKED 1. Identifiers: MedGen C3463992, MONDO:0010632, OMIM 308350. Disease mechanism: loss of function.

Submissions (4):

Labcorp Genetics (formerly Invitae), Labcorp
Classification: Uncertain significance for Developmental and epileptic encephalopathy, 1; Intellectual disability, X-linked, with or without seizures, ARX-related. Last evaluated: 2025-12-09. Review status: criteria provided, single submitter. Criteria: Invitae Variant Classification Sherloc (09022015). Collection method: clinical testing. Allele origin: germline.
Comment: This variant, c.330_335dup, results in the insertion of 2 amino acid(s) of the ARX protein (p.Ala114_Ala115dup), but otherwise preserves the integrity of the reading frame. The frequency data for this variant in the population databases is considered unreliable, as metrics indicate poor data quality at this position in the gnomAD database. This variant has been observed in individual(s) with infantile spasms, hemiplegia, and brain malformations (PMID: 11971879, 22585566). This variant is also known as 304ins(GCG)2 and c.335ins6. ClinVar contains an entry for this variant (Variation ID: 420027). Experimental studies and prediction algorithms are not available or were not evaluated, and the functional significance of this variant is currently unknown. In summary, the available evidence is currently insufficient to determine the role of this variant in disease. Therefore, it has been classified as a Variant of Uncertain Significance.

Ambry Genetics
Classification: Uncertain significance for Inborn genetic diseases. Last evaluated: 2019-02-15. Review status: criteria provided, single submitter. Criteria: Ambry Variant Classification Scheme 2023. Collection method: clinical testing. Allele origin: germline.
Comment: The c.330_335dupGGCGGC variant (also known as p.A114_A115dup), located in coding exon 2 of the ARX gene, results from an in-frame duplication of GGCGGC at nucleotide positions 330 to 335. This results in the duplication of 2 extra residues (AA) between codons 114 and 115. These amino acid positions are not well conserved in available vertebrate species. This variant has been reported in individuals with neurodevelopmental disorders (Bienvenu T et al. Hum. Mol. Genet., 2002 Apr;11:981-91; Oegema R et al. Am. J. Med. Genet. A, 2012 Jun;158A:1472-6). In addition, this alteration is predicted to be neutral by in silico analysis (Choi Y et al., PLoS ONE 2012; 7(10):e46688). Since supporting evidence is conflicting at this time, the clinical significance of this alteration remains unclear.

GeneDx
Classification: Likely benign. Last evaluated: 2018-09-17. Review status: criteria provided, single submitter. Criteria: GeneDx Variant Classification Process June 2021. Collection method: clinical testing. Allele origin: germline. Affected: yes.
Comment: This variant is associated with the following publications: (PMID: 11971879, 22585566)

PreventionGenetics, part of Exact Sciences
Classification: Uncertain significance for ARX-related condition. Last evaluated: 2023-11-19. Review status: no assertion criteria provided. Collection method: clinical testing. Allele origin: germline. Not counted in ClinVar's aggregate classification.
Comment: The ARX c.330_335dup6 variant is predicted to result in an in-frame duplication (p.Ala114_Ala115dup). The predicted amino acid duplication (p.Ala114_Ala115dup) results in expansion of the ARX exon 2 polyalanine tract. This variant was described in a family with moderate X-linked disability (Family T80, reported as 304insGCGGCG, Bienvenu et al. 2002. PubMed ID: 11971879). This variant has been observed in the hemizygous state in a general population database excluding individuals with severe pediatric disease. However, population frequencies for variants within repetitive regions are not reliable due to technical limitations of next-generation sequencing, so it is unclear if this variant is present in unaffected males in the general population. Currently, the clinical significance of this variant is uncertain due to the absence of conclusive functional and genetic evidence.

Literature cited by the submitters: PubMed 11971879 (cited by Labcorp Genetics (formerly Invitae), Labcorp and Ambry Genetics); PubMed 22585566 (cited by Labcorp Genetics (formerly Invitae), Labcorp and Ambry Genetics).